The following is an entry in ClinVar:

NM_001348323.3(TRIP12):c.3943C>T (p.Pro1315Ser)

Gene: TRIP12 (thyroid hormone receptor interactor 12; minus strand). Cytogenetic location: 2q36.3.
Variant type: single nucleotide variant.
Coding change: c.3943C>T on transcript NM_001348323.3 (MANE Select); coding-DNA position 3943, C replaced by T.
Protein change: p.Pro1315Ser; replaces proline 1315 with serine.
Molecular consequence: missense variant.
Genome position (GRCh38, 1-based): chr2:229,795,204, G>A on the plus strand (C>T on the coding strand, the complement: TRIP12 is on the minus strand). VCF-style: chr2-229795204-G-A. GRCh37 (hg19) VCF-style: chr2-230659920-G-A.
Other names: c.3862C>T, p.Pro1288Ser (NM_001284214.2, NM_001348315.2); c.3817C>T, p.Pro1273Ser (NM_001284215.2, NM_001348316.2, NM_001348317.1 and 1 more transcripts); c.2908C>T, p.Pro970Ser (NM_001284216.2); c.3943C>T, p.Pro1315Ser (NM_001348319.1, NM_001348320.2, NM_001348322.1 and 4 more transcripts); c.3946C>T, p.Pro1316Ser (NM_001348321.1, NM_001348328.1, NM_001348329.2 and 1 more transcripts); c.3736C>T, p.Pro1246Ser (NM_001348331.1); c.3856C>T, p.Pro1286Ser (NM_001348332.1); c.3865C>T, p.Pro1289Ser (NM_001348333.1); and 1 more; short protein forms P1240S, P1246S, P1273S, P1286S, P1288S, P1289S, P1315S, P1316S.
Identifiers: ClinVar variation 4865938 (VCV004865938.1).

ClinVar aggregate classification (germline): Uncertain significance (1 of 4 stars; one submission).

Conditions:
Inborn genetic diseases. Identifiers: MedGen C0950123, MeSH D030342.

gnomAD v4.1: 16 of 1,613,866 alleles (0.00099%); highest among the groups gnomAD compares: Non-Finnish European, 0.0014%; no homozygotes.

Submission:

Ambry Genetics
Classification: Uncertain significance for Inborn genetic diseases. Last evaluated: 2026-05-11. Review status: criteria provided, single submitter. Criteria: Ambry Variant Classification Scheme 2023. Collection method: clinical testing. Allele origin: germline.
Comment: The c.3718C>T (p.P1240S) alteration is located in exon 25 (coding exon 24) of the TRIP12 gene. This alteration results from a C to T substitution at nucleotide position 3718, causing the proline (P) at amino acid position 1240 to be replaced by a serine (S). Based on data from gnomAD, the T allele has an overall frequency of <0.001% (1/251196) total alleles studied. The highest observed frequency was 0.001% (1/113634) of European (non-Finnish) alleles. Based on insufficient or conflicting evidence, the clinical significance of this alteration remains unclear.